The following is an entry in ClinVar:

NM_017649.5(CNNM2):c.2418+20_2418+21inv

Gene: CNNM2 (cyclin and CBS domain divalent metal cation transport mediator 2; plus strand). Cytogenetic location: 10q24.32.
Variant type: Inversion.
Coding change: c.2418+20_2418+21inv on transcript NM_017649.5 (MANE Select).
Molecular consequence: intron variant.
Genome position: GRCh38 VCF-style: chr10-103076290-TG-CA. GRCh37 (hg19) VCF-style: chr10-104836047-TG-CA.
Other names: c.2352+20_2352+21inv (NM_199076.3).
Identifiers: ClinVar variation 1953822 (VCV001953822.5), ClinGen allele CA2580081207.

ClinVar aggregate classification (germline): Uncertain significance (1 of 4 stars; one submission).

Submission:

Labcorp Genetics (formerly Invitae), Labcorp
Classification: Uncertain significance. Last evaluated: 2022-12-27. Review status: criteria provided, single submitter. Criteria: Invitae Variant Classification Sherloc (09022015). Collection method: clinical testing. Allele origin: germline.
Comment: This sequence change falls in intron 7 of the CNNM2 gene. It does not directly change the encoded amino acid sequence of the CNNM2 protein. Information on the frequency of this variant in the gnomAD database is not available, as this variant may be reported differently in the database. This variant has not been reported in the literature in individuals affected with CNNM2-related conditions. Experimental studies and prediction algorithms are not available or were not evaluated, and the effect of this variant on mRNA splicing is currently unknown. In summary, the available evidence is currently insufficient to determine the role of this variant in disease. Therefore, it has been classified as a Variant of Uncertain Significance.